The following is an entry in ClinVar:

NM_001384732.1(CPLANE1):c.2161G>A (p.Ala721Thr)

Gene: CPLANE1 (ciliogenesis and planar polarity effector complex subunit 1; minus strand). Cytogenetic location: 5p13.2.
Variant type: single nucleotide variant.
Coding change: c.2161G>A on transcript NM_001384732.1 (MANE Select); coding-DNA position 2161, G replaced by A.
Protein change: p.Ala721Thr; replaces alanine 721 with threonine.
Molecular consequence: missense variant.
Genome position (GRCh38, 1-based): chr5:37,226,434, C>T on the plus strand (G>A on the coding strand, the complement: CPLANE1 is on the minus strand). VCF-style: chr5-37226434-C-T. GRCh37 (hg19) VCF-style: chr5-37226536-C-T.
Other names: c.2161G>A, p.Ala721Thr (NM_023073.4); short protein forms A721T.
Identifiers: ClinVar variation 2045678 (VCV002045678.4), dbSNP rs2548578663, ClinGen allele CA359495687.

ClinVar aggregate classification (germline): Uncertain significance (1 of 4 stars; one submission).

gnomAD v4.1: 1 of 1,551,336 alleles (0.000064%); highest among the groups gnomAD compares: Non-Finnish European, 0.000087%; no homozygotes.

Submission:

Labcorp Genetics (formerly Invitae), Labcorp
Classification: Uncertain significance. Last evaluated: 2021-12-17. Review status: criteria provided, single submitter. Criteria: Invitae Variant Classification Sherloc (09022015). Collection method: clinical testing. Allele origin: germline.
Comment: In summary, the available evidence is currently insufficient to determine the role of this variant in disease. Therefore, it has been classified as a Variant of Uncertain Significance. Advanced modeling of protein sequence and biophysical properties (such as structural, functional, and spatial information, amino acid conservation, physicochemical variation, residue mobility, and thermodynamic stability) performed at Invitae indicates that this missense variant is not expected to disrupt CPLANE1 protein function. This variant has not been reported in the literature in individuals affected with CPLANE1-related conditions. This variant is not present in population databases (gnomAD no frequency). This sequence change replaces alanine, which is neutral and non-polar, with threonine, which is neutral and polar, at codon 721 of the CPLANE1 protein (p.Ala721Thr).